The following is an entry in ClinVar:

NM_177438.3(DICER1):c.5206C>T (p.Arg1736Trp)

Gene: DICER1 (dicer 1, ribonuclease III; minus strand). Cytogenetic location: 14q32.13.
Variant type: single nucleotide variant.
Coding change: c.5206C>T on transcript NM_177438.3 (MANE Select); coding-DNA position 5206, C replaced by T.
Protein change: p.Arg1736Trp; replaces arginine 1736 with tryptophan.
Molecular consequence: missense variant. On other transcripts: non-coding transcript variant (6).
Genome position (GRCh38, 1-based): chr14:95,094,046, G>A on the plus strand (C>T on the coding strand, the complement: DICER1 is on the minus strand). VCF-style: chr14-95094046-G-A. GRCh37 (hg19) VCF-style: chr14-95560383-G-A.
Other names: c.5206C>T, p.Arg1736Trp (NM_001195573.1, NM_001271282.3, NM_001291628.2 and 9 more transcripts); c.4924C>T, p.Arg1642Trp (NM_001395686.1); c.4801C>T, p.Arg1601Trp (NM_001395687.1, NM_001395688.1, NM_001395689.1 and 1 more transcripts); c.4639C>T, p.Arg1547Trp (NM_001395691.1); c.3523C>T, p.Arg1175Trp (NM_001395697.1); short protein forms R1601W, R1547W, R1736W, R1175W, R1642W.
Identifiers: ClinVar variation 2566146 (VCV002566146.2), dbSNP rs2139813626, ClinGen allele CA390865215.

ClinVar aggregate classification (germline): Uncertain significance (1 of 4 stars; one submission).

Conditions:
Hereditary cancer-predisposing syndrome. Also called: Neoplastic Syndromes, Hereditary; Hereditary Cancer Syndrome; Hereditary neoplastic syndrome; Tumor predisposition. Identifiers: Orphanet 140162, MedGen C0027672, MeSH D009386, MONDO:0015356.

Submission:

Ambry Genetics
Classification: Uncertain significance for Hereditary cancer-predisposing syndrome. Last evaluated: 2023-03-27. Review status: criteria provided, single submitter. Criteria: Ambry Variant Classification Scheme 2023. Collection method: clinical testing. Allele origin: germline.
Comment: The p.R1736W variant (also known as c.5206C>T), located in coding exon 23 of the DICER1 gene, results from a C to T substitution at nucleotide position 5206. The arginine at codon 1736 is replaced by tryptophan, an amino acid with dissimilar properties. This amino acid position is highly conserved in available vertebrate species. In addition, this alteration is predicted to be deleterious by in silico analysis. Since supporting evidence is limited at this time, the clinical significance of this alteration remains unclear.